The following is an entry in ClinVar:

ClinVar aggregate classification (germline): Uncertain significance. Review status: criteria provided, multiple submitters, no conflicts (2 of 4 stars). 4 submissions from 4 submitters: Uncertain significance (2). 2 of the submissions do not count toward it. Last evaluated 2025-10-06.

Conditions:
Dilated cardiomyopathy 1W (CMD1W). Identifiers: Orphanet 154, MedGen C1969639, MONDO:0012667, OMIM 611407.

Allele frequency attached by ClinVar (database versions not stated): gnomAD exomes below 0.00001 and 0.00002; gnomAD 0.00001.
gnomAD v4.1: 10 of 1,614,068 alleles (0.00062%); highest among the groups gnomAD compares: Non-Finnish European, 0.00085%; no homozygotes.

Submissions (4):

Labcorp Genetics (formerly Invitae), Labcorp
Classification: Uncertain significance for Dilated cardiomyopathy 1W. Last evaluated: 2025-10-06. Review status: criteria provided, single submitter. Criteria: Invitae Variant Classification Sherloc (09022015). Collection method: clinical testing. Allele origin: germline.
Comment: This sequence change replaces phenylalanine, which is neutral and non-polar, with tyrosine, which is neutral and polar, at codon 232 of the VCL protein (p.Phe232Tyr). This variant is present in population databases (rs200956572, gnomAD 0.0009%). This missense change has been observed in individual(s) with clinical features of VCL-related conditions (PMID: 30847666). ClinVar contains an entry for this variant (Variation ID: 192101). An algorithm developed to predict the effect of missense changes on protein structure and function outputs the following: PolyPhen-2: "Benign". The tyrosine amino acid residue is found in multiple mammalian species, which suggests that this missense change does not adversely affect protein function. In summary, the available evidence is currently insufficient to determine the role of this variant in disease. Therefore, it has been classified as a Variant of Uncertain Significance.

Biesecker Lab/Clinical Genomics Section, National Institutes of Health
Classification: Uncertain significance. Last evaluated: 2013-06-24. Review status: criteria provided, single submitter. Criteria: Ng et al. (Circ Cardiovasc Genet. 2013). Collection method: research. Allele origin: unknown. Observed: 1 variant allele. Study: ClinSeq.
Comment: The study set was not selected for affection status in relation to any cancer. Pathogenicity categories were based on literature curation. See Pubmed ID:23861362 for details.

Medical sequencing

Clinical Genetics DNA and cytogenetics Diagnostics Lab, Erasmus MC, Erasmus Medical Center
Classification: Uncertain significance. Review status: no assertion criteria provided. Collection method: clinical testing. Allele origin: germline. Affected: yes. Study: VKGL Data-share Consensus. Not counted in ClinVar's aggregate classification.

Clinical Genetics, Academic Medical Center
Classification: Uncertain significance. Review status: no assertion criteria provided. Collection method: clinical testing. Allele origin: germline. Affected: yes. Study: VKGL Data-share Consensus. Not counted in ClinVar's aggregate classification.

Literature cited by the submitters: PubMed 30847666 (cited by Labcorp Genetics (formerly Invitae), Labcorp).

NM_014000.3(VCL):c.695T>A (p.Phe232Tyr)

Gene: VCL (vinculin; plus strand). Cytogenetic location: 10q22.2.
Variant type: single nucleotide variant.
Coding change: c.695T>A on transcript NM_014000.3 (MANE Select); coding-DNA position 695, T replaced by A.
Protein change: p.Phe232Tyr; replaces phenylalanine 232 with tyrosine.
Molecular consequence: missense variant.
Genome position (GRCh38, 1-based): chr10:74,074,815, T>A. VCF-style: chr10-74074815-T-A. GRCh37 (hg19) VCF-style: chr10-75834573-T-A.
Other names: c.695T>A, p.Phe232Tyr (NM_003373.4); short protein forms F232Y.
Identifiers: ClinVar variation 192101 (VCV000192101.11), dbSNP rs200956572, ClinGen allele CA238352.
Genomic context (GRCh38, chr10:74,074,815, plus strand): 5'-TTGTAACAACTAAAAACTCAAAAAACCAAGGCATAGAGGAAGCTTTAAAAAATCGCAATT[T>A]TACTGTAGAAAAAATGAGTGCTGAAATTAATGAGATAATTCGTGTGTTACAACTCACCTC-3'
Protein context (NP_054706.1, residues 222-242): GIEEALKNRN[Phe232Tyr]TVEKMSAEIN